The following is an entry in ClinVar:

ClinVar aggregate classification (germline): Uncertain significance. Review status: criteria provided, multiple submitters, no conflicts (2 of 4 stars). 2 submissions from 2 submitters: Uncertain significance (2). Last evaluated 2022-01-27.

Conditions:
Familial adenomatous polyposis 1 (FAP1). Also called: FAMILIAL ADENOMATOUS POLYPOSIS 1, ATTENUATED; POLYPOSIS, ADENOMATOUS INTESTINAL. Identifiers: MedGen C2713442, MONDO:0021056, OMIM 175100. Disease mechanism: loss of function.
Hereditary cancer-predisposing syndrome. Also called: Neoplastic Syndromes, Hereditary; Hereditary Cancer Syndrome; Tumor predisposition; Hereditary neoplastic syndrome. Identifiers: Orphanet 140162, MedGen C0027672, MeSH D009386, MONDO:0015356.

Submissions (2):

Labcorp Genetics (formerly Invitae), Labcorp
Classification: Uncertain significance for Familial adenomatous polyposis 1. Last evaluated: 2022-01-27. Review status: criteria provided, single submitter. Criteria: Invitae Variant Classification Sherloc (09022015). Collection method: clinical testing. Allele origin: germline.
Comment: This sequence change replaces arginine, which is basic and polar, with leucine, which is neutral and non-polar, at codon 24 of the APC protein (p.Arg24Leu). This variant is not present in population databases (gnomAD no frequency). This variant has not been reported in the literature in individuals affected with APC-related conditions. ClinVar contains an entry for this variant (Variation ID: 583191). Algorithms developed to predict the effect of missense changes on protein structure and function are either unavailable or do not agree on the potential impact of this missense change (SIFT: "Tolerated"; PolyPhen-2: "Probably Damaging"; Align-GVGD: "Class C0"). In summary, the available evidence is currently insufficient to determine the role of this variant in disease. Therefore, it has been classified as a Variant of Uncertain Significance.

Ambry Genetics
Classification: Uncertain significance for Hereditary cancer-predisposing syndrome. Last evaluated: 2018-04-12. Review status: criteria provided, single submitter. Criteria: Ambry Variant Classification Scheme 2023. Collection method: clinical testing. Allele origin: germline.
Comment: The p.R24L variant (also known as c.71G>T), located in coding exon 1 of the APC gene, results from a G to T substitution at nucleotide position 71. The arginine at codon 24 is replaced by leucine, an amino acid with dissimilar properties. This amino acid position is highly conserved in available vertebrate species. In addition, in silico predictors for this gene do not accurately predict pathogenicity. Since supporting evidence is limited at this time, the clinical significance of this alteration remains unclear.

NM_000038.6(APC):c.71G>T (p.Arg24Leu)

Gene: APC (APC regulator of Wnt signaling pathway; plus strand). Cytogenetic location: 5q22.2.
Variant type: single nucleotide variant.
Coding change: c.71G>T on transcript NM_000038.6 (MANE Select); coding-DNA position 71, G replaced by T.
Protein change: p.Arg24Leu; replaces arginine 24 with leucine.
Molecular consequence: missense variant. On other transcripts: 5 prime UTR variant (1), intron variant (8).
Genome position (GRCh38, 1-based): chr5:112,754,961, G>T. VCF-style: chr5-112754961-G-T. GRCh37 (hg19) VCF-style: chr5-112090658-G-T.
Other names: c.71G>T, p.Arg24Leu (NM_001127510.3, NM_001354895.2, NM_001354896.2 and 2 more transcripts); c.-965G>T (NM_001354906.2); c.166-11365G>T (NM_001354897.2, NM_001354902.2, NM_001127511.3); c.61-11365G>T (NM_001354898.2, NM_001354904.2); c.-42-11365G>T (NM_001354900.2, NM_001354901.2, NM_001354905.2); short protein forms R24L.
Identifiers: ClinVar variation 583191 (VCV000583191.14), dbSNP rs878853469, ClinGen allele CA16021494.